The following is an entry in ClinVar:

NM_001267550.2(TTN):c.57057del (p.Lys19019_Val19020insTer)

Genes: TTN-AS1 (TTN antisense RNA 1; plus strand), TTN (titin; minus strand). Cytogenetic location: 2q31.2.
Variant type: Deletion.
Coding change: c.57057del on transcript NM_001267550.2 (MANE Select); coding-DNA position 57057, one base deleted (A; older notation c.57057delA).
Protein change: p.Lys19019_Val19020insTer.
Molecular consequence: frameshift variant. On other transcripts: non-coding transcript variant (1).
Genome position (GRCh38, 1-based): chr2:178,598,560, T deleted on the plus strand (A on the coding strand, the reverse complement: TTN is on the minus strand); the first of 3 consecutive T bases (chr2:178,598,560-178,598,562); deleting any one gives the same sequence. VCF-style (leftmost placement, unchanged base first): chr2-178598559-CT-C. GRCh37 (hg19) VCF-style: chr2-179463286-CT-C.
Other names: c.52134del, p.Lys17378_Val17379insTer (NM_001256850.1); c.29862del, p.Lys9954_Val9955insTer (NM_003319.4); c.49353del, p.Lys16451_Val16452insTer (NM_133378.4); c.30237del, p.Lys10079_Val10080insTer (NM_133432.3); c.30438del, p.Lys10146_Val10147insTer (NM_133437.4); c.57057delA (NM_001267550.2); c.57057del (NM_001267550.1); c.29862delA (NM_003319.4).
Identifiers: ClinVar variation 466644 (VCV000466644.15), dbSNP rs1553662326, ClinGen allele CA658657154.

ClinVar aggregate classification (germline): Pathogenic/Likely pathogenic. Review status: criteria provided, multiple submitters, no conflicts (2 of 4 stars). 4 submissions from 4 submitters: Pathogenic (1); Likely pathogenic (3). Last evaluated 2025-10-27.

Conditions:
Autosomal recessive limb-girdle muscular dystrophy type 2J (LGMDR10). Also called: Limb-girdle muscular dystrophy, type 2J; MUSCULAR DYSTROPHY, LIMB-GIRDLE, AUTOSOMAL RECESSIVE 10. Identifiers: Orphanet 140922, MedGen C1837342, MONDO:0012127, OMIM 608807.
Dilated cardiomyopathy 1G (CMD1G). Identifiers: Orphanet 154, MedGen C1858763, MONDO:0011400, OMIM 604145.
Cardiovascular phenotype. Identifiers: MedGen CN230736.
Primary dilated cardiomyopathy (DCM). Also called: Dilated Cardiomyopathy. Identifiers: Orphanet 217604, MedGen C0007193, MeSH D002311, MONDO:0005021, HP:0001644. Inheritance: Various modes of inheritance.

Submissions (4):

Labcorp Genetics (formerly Invitae), Labcorp
Classification: Likely pathogenic for Dilated cardiomyopathy 1G; Autosomal recessive limb-girdle muscular dystrophy type 2J. Last evaluated: 2025-10-27. Review status: criteria provided, single submitter. Criteria: Invitae Variant Classification Sherloc (09022015). Collection method: clinical testing. Allele origin: germline.
Comment: This sequence change creates a premature translational stop signal (p.Val19020*) in the TTN gene. While this is not anticipated to result in nonsense mediated decay, it is expected to create a truncated TTN protein. This variant is not present in population databases (gnomAD no frequency). This variant has not been reported in the literature in individuals affected with TTN-related conditions. ClinVar contains an entry for this variant (Variation ID: 466644). This variant is located in the A band of TTN (PMID: 25589632). Truncating variants in this region are significantly overrepresented in patients affected with dilated cardiomyopathy (PMID: 25589632). Truncating variants in this region have also been reported in individuals affected with autosomal recessive centronuclear myopathy (PMID: 23975875). In summary, the currently available evidence indicates that the variant is pathogenic, but additional data are needed to prove that conclusively. Therefore, this variant has been classified as Likely Pathogenic.

Ambry Genetics
Classification: Likely pathogenic for Cardiovascular phenotype. Last evaluated: 2025-08-07. Review status: criteria provided, single submitter. Criteria: Ambry Variant Classification Scheme 2023. Collection method: clinical testing. Allele origin: germline.
Comment: The c.29862delA variant, located in coding exon 119 of the TTN gene, results from a deletion of one nucleotide at nucleotide position 29862, causing a translational frameshift with a predicted alternate stop codon (p.V9955*). This exon is located in the A-band region of the N2-B isoform of the titin protein and is constitutively expressed in TTN transcripts (percent spliced in or PSI 100%). This variant was reported in individual(s) with features consistent with dilated cardiomyopathy (Ambry internal data). This variant is considered to be rare based on population cohorts in the Genome Aggregation Database (gnomAD). This variant is expected to result in loss of function by premature protein truncation or nonsense-mediated mRNA decay. While truncating variants in TTN are present in 1-3% of the general population, truncating variants in the A-band are the most common cause of dilated cardiomyopathy (Herman DS et al. N. Engl. J. Med., 2012 Feb;366:619-28; Roberts AM et al. Sci Transl Med, 2015 Jan;7:270ra6). TTN truncating variants encoded in constitutive exons (PSI >90%) have been found to be significantly associated with DCM regardless of their position in titin (Schafer S et al. Nat. Genet., 2017 01;49:46-53; Akhtar MM et al. Circ Heart Fail, 2020 Oct;13:e006832; Massier M et al. Clin Genet, 2025 Jan). Based on the majority of available evidence to date, this variant is likely to be pathogenic.

GeneDx
Classification: Pathogenic. Last evaluated: 2025-04-22. Review status: criteria provided, single submitter. Criteria: GeneDx Variant Classification Process June 2021. Collection method: clinical testing. Allele origin: germline. Affected: yes.
Comment: Nonsense variant predicted to result in protein truncation or nonsense mediated decay in a gene for which loss of function is a known mechanism of disease; Located in the A-band, a region of TTN for which truncating variants are significantly associated with autosomal dominant cardiomyopathy and also with autosomal recessive skeletal myopathies (PMID: 22335739, 32778822); Not observed at significant frequency in large population cohorts (gnomAD); Has not been previously published as pathogenic or benign to our knowledge; This variant is associated with the following publications: (PMID: 22335739, 32778822)

Laboratory for Molecular Medicine, Mass General Brigham Personalized Medicine
Classification: Likely pathogenic for Primary dilated cardiomyopathy. Last evaluated: 2019-02-22. Review status: criteria provided, single submitter. Criteria: ACMG Guidelines, 2015. Collection method: clinical testing. Allele origin: germline.
Comment: The p.Val16452X variant in TTN has not been previously reported in individuals with TTN-associated diseases, such as dilated cardiomyopathy and neuromuscular conditions and was absent from large population studies. It has been reported in ClinVar (Variation ID #466644). This nonsense variant leads to a premature termination codon at position 16452, which is predicted to lead to a truncated or absent protein. Nonsense and other truncating variants in TTN are strongly associated with DCM if they impact the exons encoding for the A-band (Herman 2012, Pugh 2014) and/or are located in an exon that is highly expressed in the heart (Roberts 2015). In addition, TTN variants have also been associated with myopathies and other neuromuscular conditions, which usually have autosomal recessive inheritance (Savarese 2016). The p.Val16452X variant is located in the A-band. In summary, although additional studies are required to fully establish its clinical significance, this variant meets criteria to be classified as likely pathogenic for TTN-associated diseases. ACMG/AMP Criteria applied: PVS1, PM2.

Literature cited by the submitters: PubMed 25589632 (cited by Labcorp Genetics (formerly Invitae), Labcorp); PubMed 23975875 (cited by Labcorp Genetics (formerly Invitae), Labcorp).